The following is an entry in ClinVar:

ClinVar aggregate classification (germline): Uncertain significance (1 of 4 stars; one submission).

Allele frequency attached by ClinVar (database versions not stated): ExAC 0.00001; gnomAD exomes below 0.00001.
gnomAD v4.1: 3 of 1,614,052 alleles (0.00019%); highest among the groups gnomAD compares: Non-Finnish European, 0.00025%; no homozygotes.

Submission:

Labcorp Genetics (formerly Invitae), Labcorp
Classification: Uncertain significance. Last evaluated: 2025-10-20. Review status: criteria provided, single submitter. Criteria: Invitae Variant Classification Sherloc (09022015). Collection method: clinical testing. Allele origin: germline.
Comment: This sequence change falls in intron 38 of the FBN3 gene. It does not directly change the encoded amino acid sequence of the FBN3 protein. It affects a nucleotide within the consensus splice site. This variant is present in population databases (rs776739284, gnomAD 0.006%). This variant has not been reported in the literature in individuals affected with FBN3-related conditions. ClinVar contains an entry for this variant (Variation ID: 2997035). Variants that disrupt the consensus splice site are a relatively common cause of aberrant splicing (PMID: 17576681, 9536098). Algorithms developed to predict the effect of sequence changes on RNA splicing suggest that this variant may disrupt the consensus splice site. In summary, the available evidence is currently insufficient to determine the role of this variant in disease. Therefore, it has been classified as a Variant of Uncertain Significance.

Literature cited by the submitters: PubMed 17576681; PubMed 9536098.

NM_032447.5(FBN3):c.4813+5G>A

Gene: FBN3 (fibrillin 3; minus strand). Cytogenetic location: 19p13.2.
Variant type: single nucleotide variant.
Coding change: c.4813+5G>A on transcript NM_032447.5 (MANE Select); 5 bases into the intron after coding-DNA position 4813, G replaced by A.
Molecular consequence: intron variant.
Genome position (GRCh38, 1-based): chr19:8,106,103, C>T on the plus strand (G>A on the coding strand, the complement: FBN3 is on the minus strand). VCF-style: chr19-8106103-C-T. GRCh37 (hg19) VCF-style: chr19-8170987-C-T.
Other names: c.4813+5G>A (NM_001321431.2).
Identifiers: ClinVar variation 2997035 (VCV002997035.3), dbSNP rs776739284, ClinGen allele CA9151918.